The following is an entry in ClinVar:

ClinVar aggregate classification (germline): Uncertain significance. Review status: criteria provided, multiple submitters, no conflicts (2 of 4 stars). 5 submissions from 5 submitters: Uncertain significance (5). Last evaluated 2026-03-31.

Conditions:
COL5A1-related disorder. Also called: COL5A1-related condition.
Ehlers-Danlos syndrome, classic type, 1 (EDSCL1). Also called: Ehlers-Danlos syndrome, type 1; Ehlers-Danlos Syndrome, Classic Type, COL5A1-Related; EDS I; EHLERS-DANLOS SYNDROME, GRAVIS TYPE; EHLERS-DANLOS SYNDROME, SEVERE CLASSIC TYPE. Identifiers: MedGen C0268335, MONDO:0019567, OMIM 130000.
Familial thoracic aortic aneurysm and aortic dissection (TAAD). Also called: Thoracic aortic aneurysms and dissections. Identifiers: Orphanet 91387, MedGen C4707243, MONDO:0019625.

Submissions (5):

Women's Health and Genetics/Laboratory Corporation of America, LabCorp
Classification: Uncertain significance. Last evaluated: 2026-03-31. Review status: criteria provided, single submitter. Criteria: LabCorp Variant Classification Summary - May 2015. Collection method: clinical testing. Allele origin: germline.
Comment: Variant summary: COL5A1 c.431_432delinsAT (p.Thr144Asn) results in a non-conservative amino acid change in the encoded protein sequence. Algorithms developed to predict the effect of missense changes on protein structure and function are either unavailable or do not agree on the potential impact of this missense change. The variant was absent in 250192 control chromosomes (gnomAD). The available data on variant occurrences in the general population are insufficient to allow any conclusion about variant significance. To our knowledge, no occurrence of c.431_432delinsAT in individuals affected with COL5A1-related conditions and no experimental evidence demonstrating its impact on protein function have been reported. ClinVar contains an entry for this variant (Variation ID: 219281). Based on the evidence outlined above, the variant was classified as uncertain significance.

Labcorp Genetics (formerly Invitae), Labcorp
Classification: Uncertain significance for Ehlers-Danlos syndrome, classic type, 1. Last evaluated: 2026-01-02. Review status: criteria provided, single submitter. Criteria: Invitae Variant Classification Sherloc (09022015). Collection method: clinical testing. Allele origin: germline.
Comment: This sequence change replaces threonine, which is neutral and polar, with asparagine, which is neutral and polar, at codon 144 of the COL5A1 protein (p.Thr144Asn). This variant is present in population databases (no rsID available, gnomAD 0.006%). This variant has not been reported in the literature in individuals affected with COL5A1-related conditions. ClinVar contains an entry for this variant (Variation ID: 219281). An algorithm developed to predict the effect of missense changes on protein structure and function (PolyPhen-2) suggests that this variant is likely to be disruptive. In summary, the available evidence is currently insufficient to determine the role of this variant in disease. Therefore, it has been classified as a Variant of Uncertain Significance.

PreventionGenetics, part of Exact Sciences
Classification: Uncertain significance for COL5A1-related condition. Last evaluated: 2025-12-22. Review status: criteria provided, single submitter. Criteria: ACMG Guidelines, 2015. Collection method: clinical testing. Allele origin: germline.
Comment: The COL5A1 c.431_432delinsAT variant is predicted to result in an in-frame deletion and insertion. To our knowledge, this variant has not been reported in the literature or in a large population database (gnomAD), indicating this variant is rare. At this time, the clinical significance of this variant is uncertain due to the absence of conclusive functional and genetic evidence.

GeneDx
Classification: Uncertain significance. Last evaluated: 2025-09-23. Review status: criteria provided, single submitter. Criteria: GeneDx Variant Classification Process June 2021. Collection method: clinical testing. Allele origin: germline. Affected: yes.
Comment: Has not been previously published as pathogenic or benign to our knowledge; In silico analysis suggests that this variant does not alter protein structure/function; Not located in the triple helical region, where the majority of pathogenic missense variants occur (PMID: 22696272; HGMD); This variant is associated with the following publications: (PMID: 22696272)

Ambry Genetics
Classification: Uncertain significance for Familial thoracic aortic aneurysm and aortic dissection. Last evaluated: 2023-12-20. Review status: criteria provided, single submitter. Criteria: Ambry Variant Classification Scheme 2023. Collection method: clinical testing. Allele origin: germline.
Comment: The c.431_432delCGinsAT variant (also known as p.T144N), located in coding exon 3 of the COL5A1 gene, results from an in-frame deletion of CG and insertion of AT at nucleotide positions 431 to 432. This results in the substitution of the threonine residue for an asparagine residue at codon 144, an amino acid with similar properties. Based on data from gnomAD, this allele has an overall frequency of 0.0056% (14/250192) total alleles studied. The highest observed frequency was 0.0145% (5/34580) of Latino alleles. This amino acid position is well conserved in available vertebrate species. In addition, this alteration is predicted to be neutral by in silico analysis (Choi Y et al. PLoS ONE. 2012; 7(10):e46688). Since supporting evidence is limited at this time, the clinical significance of this alteration remains unclear.

NM_000093.5(COL5A1):c.431_432delinsAT (p.Thr144Asn)

Gene: COL5A1 (collagen type V alpha 1 chain; plus strand). Cytogenetic location: 9q34.3.
Variant type: Indel.
Coding change: c.431_432delinsAT on transcript NM_000093.5 (MANE Select); coding-DNA positions 431 to 432, CG replaced by AT.
Protein change: p.Thr144Asn; replaces threonine 144 with asparagine.
Molecular consequence: missense variant.
Genome position (GRCh38, 1-based): chr9:134,700,062-134,700,063, CG replaced by AT. VCF-style: chr9-134700062-CG-AT. GRCh37 (hg19) VCF-style: chr9-137591908-CG-AT.
Other names: p.T144N:ACG>AAT; c.431_432delCGinsAT (NM_000093.3); c.431_432delinsAT, p.Thr144Asn (NM_001278074.1); short protein forms T144N.
Identifiers: ClinVar variation 219281 (VCV000219281.20), dbSNP rs864622040, ClinGen allele CA339722.